The following is an entry in ClinVar:

NM_182641.4(BPTF):c.6710A>G (p.Glu2237Gly)

Gene: BPTF (bromodomain PHD finger transcription factor; plus strand). Cytogenetic location: 17q24.2.
Variant type: single nucleotide variant.
Coding change: c.6710A>G on transcript NM_182641.4 (MANE Select); coding-DNA position 6710, A replaced by G.
Protein change: p.Glu2237Gly; replaces glutamic acid 2237 with glycine.
Molecular consequence: missense variant.
Genome position (GRCh38, 1-based): chr17:67,945,418, A>G. VCF-style: chr17-67945418-A-G. GRCh37 (hg19) VCF-style: chr17-65941534-A-G.
Other names: c.7088A>G, p.Glu2363Gly (NM_004459.7); short protein forms E2237G, E2363G.
Identifiers: ClinVar variation 2814809 (VCV002814809.3), dbSNP rs2065731555, ClinGen allele CA400723097.
Genomic context (GRCh38, chr17:67,945,418, plus strand): 5'-ACAGTTTTATGTTCCAGAGTAATAGAAATGGTTCATCTTTCCTTTTTACAGGTACAGGTG[A>G]ACAAAGGCAGAGTAAACTGTCACCCCAGATGCAGGTACATCAAGACAAAACCCTGCCACC-3'
Protein context (NP_872579.2, residues 2227-2247): TVSTTAAGTG[Glu2237Gly]QRQSKLSPQM

ClinVar aggregate classification (germline): Uncertain significance (1 of 4 stars; one submission).

Allele frequency attached by ClinVar (database versions not stated): TOPMed below 0.00001; gnomAD exomes 0.00001.
gnomAD v4.1: 3 of 1,612,854 alleles (0.00019%); highest among the groups gnomAD compares: Non-Finnish European, 0.00025%; no homozygotes.

Submission:

Labcorp Genetics (formerly Invitae), Labcorp
Classification: Uncertain significance. Last evaluated: 2022-11-17. Review status: criteria provided, single submitter. Criteria: Invitae Variant Classification Sherloc (09022015). Collection method: clinical testing. Allele origin: germline.
Comment: This sequence change replaces glutamic acid, which is acidic and polar, with glycine, which is neutral and non-polar, at codon 2363 of the BPTF protein (p.Glu2363Gly). In summary, the available evidence is currently insufficient to determine the role of this variant in disease. Therefore, it has been classified as a Variant of Uncertain Significance. Algorithms developed to predict the effect of missense changes on protein structure and function are either unavailable or do not agree on the potential impact of this missense change (SIFT: "Tolerated"; PolyPhen-2: "Probably Damaging"; Align-GVGD: "Class C0"). This variant has not been reported in the literature in individuals affected with BPTF-related conditions. This variant is not present in population databases (gnomAD no frequency).